The following is an entry in ClinVar:

ClinVar aggregate classification (germline): Likely benign (1 of 4 stars; one submission).

gnomAD v4.1: 110 of 1,300,300 alleles (0.0085%); highest among the groups gnomAD compares: South Asian, 0.22%; 1 homozygote.

Submission:

CeGaT Center for Human Genetics Tuebingen
Classification: Likely benign. Last evaluated: 2025-09-01. Review status: criteria provided, single submitter. Criteria: CeGaT Center For Human Genetics Tuebingen Variant Classification Criteria Version 2. Collection method: clinical testing. Allele origin: germline. Affected: yes. Observed: 1 variant allele.
Comment: TAF4: BP4, BP7

NM_003185.4(TAF4):c.1149G>A (p.Leu383=)

Gene: TAF4 (TATA-box binding protein associated factor 4; minus strand). Cytogenetic location: 20q13.33.
Variant type: single nucleotide variant.
Coding change: c.1149G>A on transcript NM_003185.4 (MANE Select); coding-DNA position 1149, G replaced by A.
Protein change: p.Leu383=; no amino-acid change (leucine 383 retained).
Molecular consequence: synonymous variant.
Genome position (GRCh38, 1-based): chr20:62,064,662, C>T on the plus strand (G>A on the coding strand, the complement: TAF4 is on the minus strand). VCF-style: chr20-62064662-C-T. GRCh37 (hg19) VCF-style: chr20-60639718-C-T.
Identifiers: ClinVar variation 4280889 (VCV004280889.7).
Genomic context (GRCh38, chr20:62,064,662, plus strand): 5'-GCCTTTGGGCAGCCCGGTGGGGGTCCCGGGGGCGGGCGGCGGGACGGCGGCCGGGCTGGG[C>T]AGCGCCCCTTGCATAGTTGGCCCGATGACCATGCTGGCCGCCGTGCTGGCCGGGCCGCTG-3'
Protein context (NP_003176.2, residues 373-393): MVIGPTMQGA[Leu383=]PSPAAVPPPA